The following is an entry in ClinVar:

ClinVar aggregate classification (germline): Uncertain significance. Review status: criteria provided, multiple submitters, no conflicts (2 of 4 stars). 2 submissions from 2 submitters: Uncertain significance (2). Last evaluated 2025-03-01.

Conditions:
Inborn genetic diseases. Identifiers: MedGen C0950123, MeSH D030342.
Exostoses, multiple, type 2 (EXT2). Also called: Hereditary Multiple Osteochondromatosis, Type II; EXOSTOSES, MULTIPLE, TYPE II. Identifiers: Orphanet 321, MedGen C1851413, MONDO:0007586, OMIM 133701.

Allele frequency attached by ClinVar (database versions not stated): gnomAD exomes below 0.00001; TOPMed 0.00001; ExAC 0.00002; gnomAD 0.00002.
gnomAD v4.1: 10 of 1,614,120 alleles (0.00062%); highest among the groups gnomAD compares: East Asian, 0.013%; no homozygotes.

Submissions (2):

Labcorp Genetics (formerly Invitae), Labcorp
Classification: Uncertain significance for Exostoses, multiple, type 2. Last evaluated: 2025-03-01. Review status: criteria provided, single submitter. Criteria: Invitae Variant Classification Sherloc (09022015). Collection method: clinical testing. Allele origin: germline.
Comment: This sequence change replaces threonine, which is neutral and polar, with alanine, which is neutral and non-polar, at codon 89 of the EXT2 protein (p.Thr89Ala). The frequency data for this variant in the population databases is considered unreliable, as metrics indicate poor data quality at this position in the gnomAD database. This variant has not been reported in the literature in individuals affected with EXT2-related conditions. ClinVar contains an entry for this variant (Variation ID: 2739163). Invitae Evidence Modeling of protein sequence and biophysical properties (such as structural, functional, and spatial information, amino acid conservation, physicochemical variation, residue mobility, and thermodynamic stability) has been performed for this missense variant. However, the output from this modeling did not meet the statistical confidence thresholds required to predict the impact of this variant on EXT2 protein function. In summary, the available evidence is currently insufficient to determine the role of this variant in disease. Therefore, it has been classified as a Variant of Uncertain Significance.

Ambry Genetics
Classification: Uncertain significance for Inborn genetic diseases. Last evaluated: 2023-12-19. Review status: criteria provided, single submitter. Criteria: Ambry Variant Classification Scheme 2023. Collection method: clinical testing. Allele origin: germline.

NM_207122.2(EXT2):c.265A>G (p.Thr89Ala)

Gene: EXT2 (exostosin glycosyltransferase 2; plus strand). Cytogenetic location: 11p11.2.
Variant type: single nucleotide variant.
Coding change: c.265A>G on transcript NM_207122.2 (MANE Select); coding-DNA position 265, A replaced by G.
Protein change: p.Thr89Ala; replaces threonine 89 with alanine.
Molecular consequence: missense variant.
Genome position (GRCh38, 1-based): chr11:44,107,977, A>G. VCF-style: chr11-44107977-A-G. GRCh37 (hg19) VCF-style: chr11-44129527-A-G.
Other names: c.364A>G, p.Thr122Ala (NM_000401.3); c.265A>G, p.Thr89Ala (NM_001178083.3, NM_001389628.1, NM_001389630.1); short protein forms T122A, T89A.
Identifiers: ClinVar variation 2739163 (VCV002739163.4), dbSNP rs746889702, ClinGen allele CA5954853.